The following is an entry in ClinVar:

ClinVar aggregate classification (germline): Uncertain significance (1 of 4 stars; one submission).

Submission:

Laboratory for Molecular Medicine, Mass General Brigham Personalized Medicine
Classification: Uncertain significance. Last evaluated: 2012-11-05. Review status: criteria provided, single submitter. Criteria: LMM Criteria. Collection method: clinical testing. Allele origin: germline. Observed: 1 variant allele.
Comment: Variant classified as Uncertain Significance - Favor Benign. The Glu83Asp varian t in NEXN has not been reported in the literature nor previously identified by o ur laboratory. This variant has also not been identified in large and broad Euro pean American and African American populations by the NHLBI Exome Sequencing Pro ject. Glutamic acid (Glu) is not highly conse rved across evolutionarily distant species, and the change to Aspartic Acid (Asp ) is present in several species, increasing the likelihood that this change woul d be tolerated. Computational analyses (biochemical amino acid properties, Align GVGD, PolyPhen2, and SIFT) suggest that the Glu83Asp variant may not impact the protein, though this information is not predictive enough to rule out pathogenic ity. Although this data supports that the Glu83Asp variant may be benign, additi onal studies are needed to fully assess its clinical significance.

NM_144573.4(NEXN):c.249G>C (p.Glu83Asp)

Gene: NEXN (nexilin F-actin binding protein; plus strand). Cytogenetic location: 1p31.1.
Variant type: single nucleotide variant.
Coding change: c.249G>C on transcript NM_144573.4 (MANE Select); coding-DNA position 249, G replaced by C.
Protein change: p.Glu83Asp; replaces glutamic acid 83 with aspartic acid.
Molecular consequence: missense variant.
Genome position (GRCh38, 1-based): chr1:77,917,989, G>C. VCF-style: chr1-77917989-G-C. GRCh37 (hg19) VCF-style: chr1-78383674-G-C.
Other names: c.57G>C, p.Glu19Asp (NM_001172309.2); short protein forms E83D, E19D.
Identifiers: ClinVar variation 47901 (VCV000047901.5), dbSNP rs372532824, ClinGen allele CA142148.